The following is an entry in ClinVar:

ClinVar aggregate classification (germline): Uncertain significance (1 of 4 stars; one submission).

Conditions:
Long QT syndrome (LQTS). Identifiers: MedGen C0023976, MeSH D008133, MONDO:0002442. Disease mechanism: loss of function. Inheritance: Various modes of inheritance.

Allele frequency attached by ClinVar (database versions not stated): ExAC 0.00001; gnomAD 0.00001; gnomAD exomes 0.00001.
gnomAD v4.1: 11 of 1,613,704 alleles (0.00068%); highest among the groups gnomAD compares: Middle Eastern, 0.016%; no homozygotes.

Submission:

Labcorp Genetics (formerly Invitae), Labcorp
Classification: Uncertain significance for Long QT syndrome. Last evaluated: 2025-12-14. Review status: criteria provided, single submitter. Criteria: Invitae Variant Classification Sherloc (09022015). Collection method: clinical testing. Allele origin: germline.
Comment: This sequence change replaces arginine, which is basic and polar, with glutamine, which is neutral and polar, at codon 3642 of the ANK2 protein (p.Arg3642Gln). This variant is present in population databases (rs757939990, gnomAD 0.006%). This variant has not been reported in the literature in individuals affected with ANK2-related conditions. ClinVar contains an entry for this variant (Variation ID: 2151081). Invitae Evidence Modeling of protein sequence and biophysical properties (such as structural, functional, and spatial information, amino acid conservation, physicochemical variation, residue mobility, and thermodynamic stability) indicates that this missense variant is not expected to disrupt ANK2 protein function with a negative predictive value of 80%. In summary, the available evidence is currently insufficient to determine the role of this variant in disease. Therefore, it has been classified as a Variant of Uncertain Significance.

NM_001148.6(ANK2):c.10925G>A (p.Arg3642Gln)

Gene: ANK2 (ankyrin 2; plus strand). Cytogenetic location: 4q26.
Variant type: single nucleotide variant.
Coding change: c.10925G>A on transcript NM_001148.6 (MANE Select); coding-DNA position 10925, G replaced by A.
Protein change: p.Arg3642Gln; replaces arginine 3642 with glutamine.
Molecular consequence: missense variant.
Genome position (GRCh38, 1-based): chr4:113,365,075, G>A. VCF-style: chr4-113365075-G-A. GRCh37 (hg19) VCF-style: chr4-114286231-G-A.
Other names: c.4643G>A, p.Arg1548Gln (NM_001127493.3); c.4682G>A, p.Arg1561Gln (NM_001354225.2); c.4571G>A, p.Arg1524Gln (NM_001354228.2, NM_001354258.2); c.4649G>A, p.Arg1550Gln (NM_001354230.2); c.4712G>A, p.Arg1571Gln (NM_001354231.2, NM_001354242.2); c.4706G>A, p.Arg1569Gln (NM_001354232.2); c.4667G>A, p.Arg1556Gln (NM_001354235.2, NM_001354246.2, NM_001354265.2); c.4568G>A, p.Arg1523Gln (NM_001354236.2); and 35 more; short protein forms R1429Q, R1479Q, R1491Q, R1495Q, R1505Q, R1512Q, R1540Q, R1571Q.
Identifiers: ClinVar variation 2151081 (VCV002151081.4), dbSNP rs757939990, ClinGen allele CA3052167.